The following is an entry in ClinVar:

ClinVar aggregate classification (germline): Benign (1 of 4 stars; one submission).

Allele frequency attached by ClinVar (database versions not stated): TOPMed 0.28726; gnomAD 0.30136; 1000 Genomes Project 30x 0.31449; 1000 Genomes Project 0.32348; gnomAD exomes 0.36948.
gnomAD v4.1: 331,278 of 925,246 alleles (36%); highest among the groups gnomAD compares: East Asian, 56%; 62,333 homozygotes.

Submission:

Unidad de Genómica Garrahan, Hospital de Pediatría Garrahan
Classification: Benign. Last evaluated: 2023-11-12. Review status: criteria provided, single submitter. Criteria: ACMG Guidelines, 2015. Collection method: clinical testing. Allele origin: germline. Affected: no. Observed: 51 variant alleles.
Comment: This variant is classified as Benign based on local population frequency. This variant was detected in 53% of patients studied by a panel of primary immunodeficiencies. Number of patients: 51. Only high quality variants are reported.

NM_000234.3(LIG1):c.1332-90A>G

Gene: LIG1 (DNA ligase 1; minus strand). Cytogenetic location: 19q13.33.
Variant type: single nucleotide variant.
Coding change: c.1332-90A>G on transcript NM_000234.3 (MANE Select); 90 bases into the intron before coding-DNA position 1332, A replaced by G.
Molecular consequence: intron variant.
Genome position (GRCh38, 1-based): chr19:48,136,215, T>C on the plus strand (A>G on the coding strand, the complement: LIG1 is on the minus strand). VCF-style: chr19-48136215-T-C. GRCh37 (hg19) VCF-style: chr19-48639472-T-C.
Other names: c.1239-90A>G (NM_001289063.2); c.1242-90A>G (NM_001320971.2); c.1128-90A>G (NM_001289064.2); c.1329-90A>G (NM_001320970.2).
Identifiers: ClinVar variation 2628166 (VCV002628166.2), dbSNP rs3730976, ClinGen allele CA14645460.